The following is an entry in ClinVar:

NM_001130438.3(SPTAN1):c.4918G>C (p.Ala1640Pro)

Gene: SPTAN1 (spectrin alpha, non-erythrocytic 1; plus strand). Cytogenetic location: 9q34.11.
Variant type: single nucleotide variant.
Coding change: c.4918G>C on transcript NM_001130438.3 (MANE Select); coding-DNA position 4918, G replaced by C.
Protein change: p.Ala1640Pro; replaces alanine 1640 with proline.
Molecular consequence: missense variant.
Genome position (GRCh38, 1-based): chr9:128,612,121, G>C. VCF-style: chr9-128612121-G-C. GRCh37 (hg19) VCF-style: chr9-131374400-G-C.
Other names: c.4843G>C, p.Ala1615Pro (NM_001195532.2); c.4918G>C, p.Ala1640Pro (NM_001363759.2); c.4858G>C, p.Ala1620Pro (NM_001363765.2); c.4903G>C, p.Ala1635Pro (NM_003127.4); short protein forms A1640P, A1615P, A1620P, A1635P.
Identifiers: ClinVar variation 461227 (VCV000461227.10), dbSNP rs1554759970, ClinGen allele CA375070819.

ClinVar aggregate classification (germline): Uncertain significance (1 of 4 stars; one submission).

Conditions:
Early-infantile DEE. Also called: Early infantile epileptic encephalopathy; Early infantile epileptic encephalopathy with suppression bursts; Ohtahara syndrome. Identifiers: Orphanet 1934, MedGen C0393706, MONDO:0800491.

Submission:

Labcorp Genetics (formerly Invitae), Labcorp
Classification: Uncertain significance for Early-infantile DEE. Last evaluated: 2025-05-18. Review status: criteria provided, single submitter. Criteria: Invitae Variant Classification Sherloc (09022015). Collection method: clinical testing. Allele origin: germline.
Comment: This sequence change replaces alanine, which is neutral and non-polar, with proline, which is neutral and non-polar, at codon 1640 of the SPTAN1 protein (p.Ala1640Pro). This variant is not present in population databases (gnomAD no frequency). This variant has not been reported in the literature in individuals affected with SPTAN1-related conditions. ClinVar contains an entry for this variant (Variation ID: 461227). Invitae Evidence Modeling of protein sequence and biophysical properties (such as structural, functional, and spatial information, amino acid conservation, physicochemical variation, residue mobility, and thermodynamic stability) has been performed for this missense variant. However, the output from this modeling did not meet the statistical confidence thresholds required to predict the impact of this variant on SPTAN1 protein function. In summary, the available evidence is currently insufficient to determine the role of this variant in disease. Therefore, it has been classified as a Variant of Uncertain Significance.